The following is an entry in ClinVar:

ClinVar aggregate classification (germline): Uncertain significance (1 of 4 stars; one submission).

Submission:

Labcorp Genetics (formerly Invitae), Labcorp
Classification: Uncertain significance. Last evaluated: 2024-10-29. Review status: criteria provided, single submitter. Criteria: Invitae Variant Classification Sherloc (09022015). Collection method: clinical testing. Allele origin: germline.
Comment: This sequence change replaces threonine, which is neutral and polar, with isoleucine, which is neutral and non-polar, at codon 147 of the LTBP2 protein (p.Thr147Ile). This variant is not present in population databases (gnomAD no frequency). This variant has not been reported in the literature in individuals affected with LTBP2-related conditions. An algorithm developed to predict the effect of missense changes on protein structure and function outputs the following: PolyPhen-2: "Benign". The isoleucine amino acid residue is found in multiple mammalian species, which suggests that this missense change does not adversely affect protein function. In summary, the available evidence is currently insufficient to determine the role of this variant in disease. Therefore, it has been classified as a Variant of Uncertain Significance.

NM_000428.3(LTBP2):c.440C>T (p.Thr147Ile)

Gene: LTBP2 (latent transforming growth factor beta binding protein 2; minus strand). Cytogenetic location: 14q24.3.
Variant type: single nucleotide variant.
Coding change: c.440C>T on transcript NM_000428.3 (MANE Select); coding-DNA position 440, C replaced by T.
Protein change: p.Thr147Ile; replaces threonine 147 with isoleucine.
Molecular consequence: missense variant.
Genome position (GRCh38, 1-based): chr14:74,611,505, G>A on the plus strand (C>T on the coding strand, the complement: LTBP2 is on the minus strand). VCF-style: chr14-74611505-G-A. GRCh37 (hg19) VCF-style: chr14-75078208-G-A.
Other names: short protein forms T147I.
Identifiers: ClinVar variation 3701098 (VCV003701098.2).
Genomic context (GRCh38, chr14:74,611,505, plus strand): 5'-GCTCACCCCGTGAGCCGCCCTCGCGGCGGGGTTGGGGGCGCAGCCCCAGACCGCTGTGGG[G>A]TCCCCAGGCGTGGGAGAGCCGGCGCGGCCCGGGTCCGGGGTGCTGGTTGCTGCTGGCCCA-3'
Protein context (NP_000419.1, residues 137-157): RAAPALPRLG[Thr147Ile]PQRSGAAPPT